The following is an entry in ClinVar:

NM_004092.4(ECHS1):c.67G>C (p.Ala23Pro)

Genes: ECHS1 (enoyl-CoA hydratase, short chain 1; minus strand), LOC130005023 (ATAC-STARR-seq lymphoblastoid silent region 2977; plus strand). Cytogenetic location: 10q26.3.
Variant type: single nucleotide variant.
Coding change: c.67G>C on transcript NM_004092.4 (MANE Select); coding-DNA position 67, G replaced by C.
Protein change: p.Ala23Pro; replaces alanine 23 with proline.
Molecular consequence: missense variant.
Genome position (GRCh38, 1-based): chr10:133,373,267, C>G on the plus strand (G>C on the coding strand, the complement: ECHS1 is on the minus strand). VCF-style: chr10-133373267-C-G. GRCh37 (hg19) VCF-style: chr10-135186771-C-G.
Other names: short protein forms A23P.
Identifiers: ClinVar variation 1183328 (VCV001183328.9), dbSNP rs759853219, ClinGen allele CA5765897.

ClinVar aggregate classification (germline): Uncertain significance. Review status: criteria provided, multiple submitters, no conflicts (2 of 4 stars). 4 submissions from 4 submitters: Uncertain significance (4). Last evaluated 2025-06-15.

Conditions:
Mitochondrial short-chain Enoyl-Coa hydratase 1 deficiency. Also called: Mitochondrial Short-Chain Enoyl-CoA Hydratase Deficiency; PxMD-ECHS1; ECHS1 deficiency. Identifiers: Orphanet 255241, Orphanet 653880, MedGen C4225391, MONDO:0014563, OMIM 616277.

Allele frequency attached by ClinVar (database versions not stated): 1000 Genomes Project 30x 0.00016; ExAC 0.00066.
gnomAD v4.1: 149 of 1,447,246 alleles (0.01%); highest among the groups gnomAD compares: South Asian, 0.14%; no homozygotes.

Submissions (4):

GeneDx
Classification: Uncertain significance. Last evaluated: 2025-06-15. Review status: criteria provided, single submitter. Criteria: GeneDx Variant Classification Process June 2021. Collection method: clinical testing. Allele origin: germline. Affected: yes.
Comment: Has not been previously published as pathogenic or benign to our knowledge; In silico analysis suggests that this missense variant does not alter protein structure/function

Blueprint Genetics
Classification: Uncertain significance. Last evaluated: 2024-11-23. Review status: criteria provided, single submitter. Criteria: ACMG Guidelines, 2015. Collection method: clinical testing. Allele origin: germline.

Revvity Omics, Revvity
Classification: Uncertain significance for Mitochondrial short-chain Enoyl-Coa hydratase 1 deficiency. Last evaluated: 2023-11-01. Review status: criteria provided, single submitter. Criteria: ACMG Guidelines, 2015. Collection method: clinical testing. Allele origin: germline.

Labcorp Genetics (formerly Invitae), Labcorp
Classification: Uncertain significance. Last evaluated: 2022-07-25. Review status: criteria provided, single submitter. Criteria: Invitae Variant Classification Sherloc (09022015). Collection method: clinical testing. Allele origin: germline.
Comment: This sequence change replaces alanine, which is neutral and non-polar, with proline, which is neutral and non-polar, at codon 23 of the ECHS1 protein (p.Ala23Pro). This variant is present in population databases (rs759853219, gnomAD 0.07%). This variant has not been reported in the literature in individuals affected with ECHS1-related conditions. ClinVar contains an entry for this variant (Variation ID: 1183328). Algorithms developed to predict the effect of missense changes on protein structure and function (SIFT, PolyPhen-2, Align-GVGD) all suggest that this variant is likely to be tolerated. In summary, the available evidence is currently insufficient to determine the role of this variant in disease. Therefore, it has been classified as a Variant of Uncertain Significance.